The following is an entry in ClinVar:

ClinVar aggregate classification (germline): Uncertain significance (1 of 4 stars; one submission).

Allele frequency attached by ClinVar (database versions not stated): gnomAD exomes below 0.00001; ExAC 0.00001.
gnomAD v4.1: 7 of 1,614,042 alleles (0.00043%); highest among the groups gnomAD compares: South Asian, 0.0066%; no homozygotes.

Submission:

Labcorp Genetics (formerly Invitae), Labcorp
Classification: Uncertain significance. Last evaluated: 2023-11-14. Review status: criteria provided, single submitter. Criteria: Invitae Variant Classification Sherloc (09022015). Collection method: clinical testing. Allele origin: germline.
Comment: This sequence change replaces phenylalanine, which is neutral and non-polar, with leucine, which is neutral and non-polar, at codon 2098 of the FREM2 protein (p.Phe2098Leu). This variant is present in population databases (rs750975228, gnomAD 0.01%). This variant has not been reported in the literature in individuals affected with FREM2-related conditions. Algorithms developed to predict the effect of missense changes on protein structure and function output the following: SIFT: "Not Available"; PolyPhen-2: "Probably Damaging"; Align-GVGD: "Not Available". The leucine amino acid residue is found in multiple mammalian species, which suggests that this missense change does not adversely affect protein function. In summary, the available evidence is currently insufficient to determine the role of this variant in disease. Therefore, it has been classified as a Variant of Uncertain Significance.

NM_207361.6(FREM2):c.6292T>C (p.Phe2098Leu)

Gene: FREM2 (FRAS1 related extracellular matrix 2; plus strand). Cytogenetic location: 13q13.3.
Variant type: single nucleotide variant.
Coding change: c.6292T>C on transcript NM_207361.6 (MANE Select); coding-DNA position 6292, T replaced by C.
Protein change: p.Phe2098Leu; replaces phenylalanine 2098 with leucine.
Molecular consequence: missense variant.
Genome position (GRCh38, 1-based): chr13:38,848,583, T>C. VCF-style: chr13-38848583-T-C. GRCh37 (hg19) VCF-style: chr13-39422720-T-C.
Other names: short protein forms F2098L.
Identifiers: ClinVar variation 2960060 (VCV002960060.3), dbSNP rs750975228, ClinGen allele CA6955507.